The following is an entry in ClinVar:

NM_024529.5(CDC73):c.1537C>T (p.Arg513Trp)

Gene: CDC73 (cell division cycle 73; plus strand). Cytogenetic location: 1q31.2.
Variant type: single nucleotide variant.
Coding change: c.1537C>T on transcript NM_024529.5 (MANE Select); coding-DNA position 1537, C replaced by T.
Protein change: p.Arg513Trp; replaces arginine 513 with tryptophan.
Molecular consequence: missense variant.
Genome position (GRCh38, 1-based): chr1:193,249,849, C>T. VCF-style: chr1-193249849-C-T. GRCh37 (hg19) VCF-style: chr1-193218979-C-T.
Other names: short protein forms R513W.
Identifiers: ClinVar variation 403881 (VCV000403881.16), dbSNP rs1060500011, ClinGen allele CA16609989.

ClinVar aggregate classification (germline): Uncertain significance. Review status: criteria provided, multiple submitters, no conflicts (2 of 4 stars). 4 submissions from 4 submitters: Uncertain significance (4). Last evaluated 2025-07-01.

Conditions:
Hereditary cancer-predisposing syndrome. Also called: Tumor predisposition; Neoplastic Syndromes, Hereditary; Hereditary Cancer Syndrome; Hereditary neoplastic syndrome. Identifiers: Orphanet 140162, MedGen C0027672, MeSH D009386, MONDO:0015356.
Parathyroid carcinoma (PRTC). Also called: CDC73-Related Parathyroid Carcinoma; Parathyroid gland carcinoma. Identifiers: Orphanet 143, MedGen C0687150, MONDO:0012004, OMIM 608266, HP:0006780.
Hyperparathyroidism 2 with jaw tumors. Also called: Hyperparathyroidism-Jaw Tumor Syndrome; Hyperparathyroidism 2; HYPERPARATHYROIDISM, FAMILIAL PRIMARY, WITH MULTIPLE OSSIFYING JAW FIBROMAS; HYPERPARATHYROIDISM-JAW TUMOR SYNDROME, HEREDITARY. Identifiers: Orphanet 99880, MedGen C1704981, MONDO:0007768, OMIM 145001.
Hyperparathyroidism 1 (HRPT1). Also called: HYPERPARATHYROIDISM, FAMILIAL ISOLATED PRIMARY. Identifiers: Orphanet 99879, MedGen C1840402, MONDO:0007767, OMIM 145000.

Allele frequency attached by ClinVar (database versions not stated): gnomAD exomes below 0.00001; TOPMed 0.00001.
gnomAD v4.1: 5 of 1,612,268 alleles (0.00031%); highest among the groups gnomAD compares: African/African-American, 0.0013%; no homozygotes.

Submissions (4):

Ambry Genetics
Classification: Uncertain significance for Hereditary cancer-predisposing syndrome. Last evaluated: 2025-07-01. Review status: criteria provided, single submitter. Criteria: Ambry Variant Classification Scheme 2023. Collection method: clinical testing. Allele origin: germline.
Comment: The p.R513W variant (also known as c.1537C>T), located in coding exon 16 of the CDC73 gene, results from a C to T substitution at nucleotide position 1537. The arginine at codon 513 is replaced by tryptophan, an amino acid with dissimilar properties. This amino acid position is well conserved in available vertebrate species. In addition, the in silico prediction for this alteration is inconclusive. Since supporting evidence is limited at this time, the clinical significance of this alteration remains unclear.

Labcorp Genetics (formerly Invitae), Labcorp
Classification: Uncertain significance for Parathyroid carcinoma. Last evaluated: 2025-06-19. Review status: criteria provided, single submitter. Criteria: Invitae Variant Classification Sherloc (09022015). Collection method: clinical testing. Allele origin: germline.
Comment: This sequence change replaces arginine, which is basic and polar, with tryptophan, which is neutral and slightly polar, at codon 513 of the CDC73 protein (p.Arg513Trp). This variant is not present in population databases (gnomAD no frequency). This variant has not been reported in the literature in individuals affected with CDC73-related conditions. ClinVar contains an entry for this variant (Variation ID: 403881). Invitae Evidence Modeling of protein sequence and biophysical properties (such as structural, functional, and spatial information, amino acid conservation, physicochemical variation, residue mobility, and thermodynamic stability) indicates that this missense variant is not expected to disrupt CDC73 protein function with a negative predictive value of 80%. In summary, the available evidence is currently insufficient to determine the role of this variant in disease. Therefore, it has been classified as a Variant of Uncertain Significance.

Baylor Genetics
Classification: Uncertain significance for Hyperparathyroidism 1. Last evaluated: 2023-12-17. Review status: criteria provided, single submitter. Criteria: ACMG Guidelines, 2015. Collection method: clinical testing. Allele origin: unknown.

Fulgent Genetics
Classification: Uncertain significance for Hyperparathyroidism 1; Hyperparathyroidism 2 with jaw tumors; Parathyroid carcinoma. Last evaluated: 2022-04-06. Review status: criteria provided, single submitter. Criteria: ACMG Guidelines, 2015. Collection method: clinical testing. Allele origin: unknown.